The following is an entry in ClinVar:

ClinVar aggregate classification (germline): Pathogenic (1 of 4 stars; one submission).

Conditions:
Inborn genetic diseases. Identifiers: MedGen C0950123, MeSH D030342.

Submission:

Ambry Genetics
Classification: Pathogenic for Inborn genetic diseases. Last evaluated: 2025-12-15. Review status: criteria provided, single submitter. Criteria: Ambry Variant Classification Scheme 2023. Collection method: clinical testing. Allele origin: germline.
Comment: The c.1660_1661delAT (p.M554Gfs*14) alteration, located in exon 12 (coding exon 12) of the CUL3 gene, consists of a deletion of 2 nucleotides from position 1660 to 1661, causing a translational frameshift with a predicted alternate stop codon after 14 amino acids. This alteration is expected to result in loss of function by premature protein truncation or nonsense-mediated mRNA decay. for autosomal dominant CUL3-related neurodevelopmental disorder; however, its clinical significance for autosomal dominant CUL3-related pseudohypoaldosteronism type II is uncertain. This variant was not reported in population-based cohorts in the Genome Aggregation Database (gnomAD). Based on the available evidence, this alteration is classified as pathogenic.

NM_003590.5(CUL3):c.1660_1661del (p.Met554fs)

Gene: CUL3 (cullin 3; minus strand). Cytogenetic location: 2q36.2.
Variant type: Microsatellite.
Coding change: c.1660_1661del on transcript NM_003590.5 (MANE Select); coding-DNA positions 1660 to 1661, 2 bases deleted (AT; older notation c.1660_1661delAT).
Protein change: p.Met554fs; shifts the reading frame from methionine 554.
Molecular consequence: frameshift variant.
Genome position (GRCh38, 1-based): chr2:224,497,799-224,497,800, AT deleted on the plus strand (AT on the coding strand, the reverse complement: CUL3 is on the minus strand); deleting any 2 consecutive bases within chr2:224,497,799-224,497,802 gives the same sequence; the c. name uses the placement nearest the transcript's 3' end. VCF-style (leftmost placement, unchanged base first): chr2-224497798-CAT-C. GRCh37 (hg19) VCF-style: chr2-225362515-CAT-C.
Other names: c.1462_1463del, p.Met488fs (NM_001257197.2); c.1678_1679del, p.Met560fs (NM_001257198.2); short protein forms M554fs, M560fs, M488fs.
Identifiers: ClinVar variation 4832955 (VCV004832955.1).
Genomic context (GRCh38, chr2:224,497,798, plus strand): 5'-ACTATCAATATTTACCTTTTTAACTGGTCCATAAAATGTGGCATTGAGATCTGCAGAACC[CAT>C]ATGATGCTGGAGTGTGAGCTGTCGACCACTGTGTTTGGCTAAGTAGAACCTTCAGTAAAT-3'